The following is an entry in ClinVar:

NM_000540.3(RYR1):c.13036G>A (p.Ala4346Thr)

Gene: RYR1 (ryanodine receptor 1; plus strand). Cytogenetic location: 19q13.2.
Variant type: single nucleotide variant.
Coding change: c.13036G>A on transcript NM_000540.3 (MANE Select); coding-DNA position 13036, G replaced by A.
Protein change: p.Ala4346Thr; replaces alanine 4346 with threonine.
Molecular consequence: missense variant.
Genome position (GRCh38, 1-based): chr19:38,565,370, G>A. VCF-style: chr19-38565370-G-A. GRCh37 (hg19) VCF-style: chr19-39056010-G-A.
Other names: c.13021G>A, p.Ala4341Thr (NM_001042723.2); short protein forms A4346T, A4341T.
Identifiers: ClinVar variation 432669 (VCV000432669.7), dbSNP rs1296263427, ClinGen allele CA405673130.

ClinVar aggregate classification (germline): Uncertain significance. Review status: criteria provided, multiple submitters, no conflicts (2 of 4 stars). 3 submissions from 3 submitters: Uncertain significance (3). Last evaluated 2025-08-01.

Conditions:
RYR1-related disorder. Also called: RYR1-related condition; RYR1-related disorders. Identifiers: MedGen CN239331.

Allele frequency attached by ClinVar (database versions not stated): gnomAD 0.00001; gnomAD exomes 0.00001; TOPMed 0.00001.
gnomAD v4.1: 13 of 1,326,464 alleles (0.00098%); highest among the groups gnomAD compares: Middle Eastern, 0.028%; no homozygotes.

Submissions (3):

GeneDx
Classification: Uncertain significance. Last evaluated: 2025-08-01. Review status: criteria provided, single submitter. Criteria: GeneDx Variant Classification Process June 2021. Collection method: clinical testing. Allele origin: germline. Affected: yes.
Comment: Not observed at significant frequency in large population cohorts (gnomAD); In silico analysis suggests that this missense variant does not alter protein structure/function; Has not been previously published as pathogenic or benign to our knowledge

Revvity Omics, Revvity
Classification: Uncertain significance. Last evaluated: 2025-06-19. Review status: criteria provided, single submitter. Criteria: ACMG Guidelines, 2015. Collection method: clinical testing. Allele origin: germline.

Labcorp Genetics (formerly Invitae), Labcorp
Classification: Uncertain significance for RYR1-related disorder. Last evaluated: 2024-10-28. Review status: criteria provided, single submitter. Criteria: Invitae Variant Classification Sherloc (09022015). Collection method: clinical testing. Allele origin: germline.
Comment: This sequence change replaces alanine, which is neutral and non-polar, with threonine, which is neutral and polar, at codon 4346 of the RYR1 protein (p.Ala4346Thr). This variant is not present in population databases (gnomAD no frequency). This variant has not been reported in the literature in individuals affected with RYR1-related conditions. ClinVar contains an entry for this variant (Variation ID: 432669). Invitae Evidence Modeling of protein sequence and biophysical properties (such as structural, functional, and spatial information, amino acid conservation, physicochemical variation, residue mobility, and thermodynamic stability) indicates that this missense variant is not expected to disrupt RYR1 protein function with a negative predictive value of 80%. In summary, the available evidence is currently insufficient to determine the role of this variant in disease. Therefore, it has been classified as a Variant of Uncertain Significance.